The following is an entry in ClinVar:

NM_000059.4(BRCA2):c.5537T>G (p.Ile1846Arg)

Gene: BRCA2 (BRCA2 DNA repair associated; plus strand). Cytogenetic location: 13q13.1.
Variant type: single nucleotide variant.
Coding change: c.5537T>G on transcript NM_000059.4 (MANE Select); coding-DNA position 5537, T replaced by G.
Protein change: p.Ile1846Arg; replaces isoleucine 1846 with arginine.
Molecular consequence: missense variant.
Genome position (GRCh38, 1-based): chr13:32,339,892, T>G. VCF-style: chr13-32339892-T-G. GRCh37 (hg19) VCF-style: chr13-32914029-T-G.
Other names: short protein forms I1846R.
Identifiers: ClinVar variation 495473 (VCV000495473.3), dbSNP rs763330257, ClinGen allele CA387785930.

ClinVar aggregate classification (germline): Conflicting classifications of pathogenicity. Review status: criteria provided, conflicting classifications (1 of 4 stars). 2 submissions from 2 submitters: Uncertain significance (1); Likely benign (1). Last evaluated 2023-03-23.

Conditions:
Hereditary cancer-predisposing syndrome. Also called: Hereditary neoplastic syndrome; Tumor predisposition; Hereditary Cancer Syndrome; Neoplastic Syndromes, Hereditary. Identifiers: Orphanet 140162, MedGen C0027672, MeSH D009386, MONDO:0015356.

Submissions (2):

University of Washington Department of Laboratory Medicine, University of Washington
Classification: Likely benign for Hereditary cancer-predisposing syndrome. Last evaluated: 2023-03-23. Review status: criteria provided, single submitter. Criteria: Dines et al. (Genet Med. 2020). Collection method: curation. Allele origin: germline.
Comment: Missense variant in a coldspot region where missense variants are very unlikely to be pathogenic (PMID:31911673).

BRCA2 exon 11 coldspot. Reclassification based on statistical prior probability.

Women's Health and Genetics/Laboratory Corporation of America, LabCorp
Classification: Uncertain significance. Last evaluated: 2017-06-12. Review status: criteria provided, single submitter. Criteria: LabCorp Variant Classification Summary - May 2015. Collection method: clinical testing. Allele origin: germline.
Comment: Variant summary: The BRCA2 c.5537T>G (p.Ile1846Arg) variant causes a missense change involving the alteration of a conserved nucleotide and 3/4 in silico tools (Mutation Taster not captured here due to low p-value) predict a damaging outcome for this variant. However, these predictions have yet to be functionally assessed. The variant of interest has not been found in a large, broad control population, ExAC in 120812 control chromosomes. The variant of interest has not, to our knowledge, been reported in affected individuals via publications and/or reputable databases/clinical diagnostic laboratories; nor evaluated for functional impact by in vivo/vitro studies. The variant is located in one of the BRCA repeats that is critical for binding to RAD51 (a key protein in DNA recombinational repair) and resistance to methyl methanesulphonate treatment (IPR002093). Because of the absence of clinical information and the lack of functional studies, the variant is classified as a variant of uncertain significance (VUS).